The following is an entry in ClinVar:

ClinVar aggregate classification (germline): Uncertain significance (1 of 4 stars; one submission).

Conditions:
Tuberous sclerosis 2 (TSC2). Identifiers: Orphanet 805, MedGen C1860707, MONDO:0013199, OMIM 613254.

Submission:

Labcorp Genetics (formerly Invitae), Labcorp
Classification: Uncertain significance for Tuberous sclerosis 2. Last evaluated: 2023-12-19. Review status: criteria provided, single submitter. Criteria: Invitae Variant Classification Sherloc (09022015). Collection method: clinical testing. Allele origin: germline.
Comment: This sequence change replaces alanine, which is neutral and non-polar, with threonine, which is neutral and polar, at codon 1429 of the TSC2 protein (p.Ala1429Thr). This variant is not present in population databases (gnomAD no frequency). This variant has not been reported in the literature in individuals affected with TSC2-related conditions. Advanced modeling of protein sequence and biophysical properties (such as structural, functional, and spatial information, amino acid conservation, physicochemical variation, residue mobility, and thermodynamic stability) performed at Invitae indicates that this missense variant is not expected to disrupt TSC2 protein function with a negative predictive value of 95%. In summary, the available evidence is currently insufficient to determine the role of this variant in disease. Therefore, it has been classified as a Variant of Uncertain Significance.

NM_000548.5(TSC2):c.4285G>A (p.Ala1429Thr)

Gene: TSC2 (TSC complex subunit 2; plus strand). Cytogenetic location: 16p13.3.
Variant type: single nucleotide variant.
Coding change: c.4285G>A on transcript NM_000548.5 (MANE Select); coding-DNA position 4285, G replaced by A.
Protein change: p.Ala1429Thr; replaces alanine 1429 with threonine.
Molecular consequence: missense variant. On other transcripts: non-coding transcript variant (5).
Genome position (GRCh38, 1-based): chr16:2,084,507, G>A. VCF-style: chr16-2084507-G-A. GRCh37 (hg19) VCF-style: chr16-2134508-G-A.
Other names: c.4084G>A, p.Ala1362Thr (NM_001077183.3); c.4117G>A, p.Ala1373Thr (NM_001318832.2); c.4153G>A, p.Ala1385Thr (NM_001370404.1); c.4156G>A, p.Ala1386Thr (NM_001370405.1, NM_021055.3); c.4282G>A, p.Ala1428Thr (NM_001406663.1); c.4216G>A, p.Ala1406Thr (NM_001114382.3); c.3976G>A, p.Ala1326Thr (NM_001318827.2); c.3940G>A, p.Ala1314Thr (NM_001318829.2); and 26 more; short protein forms A1162T, A1206T, A1326T, A1358T, A1362T, A1373T, A1385T, A914T.
Identifiers: ClinVar variation 2733689 (VCV002733689.3), dbSNP rs45474795, ClinGen allele CA394300908.